The following is an entry in ClinVar:

NM_016065.4(MRPS16):c.89C>T (p.Pro30Leu)

Genes: DNAJC9-AS1 (DNAJC9 and MRPS16 antisense RNA 1; plus strand), MRPS16 (mitochondrial ribosomal protein S16; minus strand). Cytogenetic location: 10q22.2.
Variant type: single nucleotide variant.
Coding change: c.89C>T on transcript NM_016065.4 (MANE Select); coding-DNA position 89, C replaced by T.
Protein change: p.Pro30Leu; replaces proline 30 with leucine.
Molecular consequence: missense variant.
Genome position (GRCh38, 1-based): chr10:73,251,948, G>A on the plus strand (C>T on the coding strand, the complement: MRPS16 is on the minus strand). VCF-style: chr10-73251948-G-A. GRCh37 (hg19) VCF-style: chr10-75011706-G-A.
Other names: c.89C>T, p.Pro30Leu (NM_001410935.1); short protein forms P30L.
Identifiers: ClinVar variation 1950185 (VCV001950185.5), dbSNP rs781692834, ClinGen allele CA5553413.

ClinVar aggregate classification (germline): Uncertain significance (1 of 4 stars; one submission).

Allele frequency attached by ClinVar (database versions not stated): gnomAD exomes below 0.00001; ExAC 0.00001; gnomAD 0.00001; TOPMed 0.00001.
gnomAD v4.1: 6 of 1,614,058 alleles (0.00037%); highest among the groups gnomAD compares: Middle Eastern, 0.016%; no homozygotes.

Submission:

Labcorp Genetics (formerly Invitae), Labcorp
Classification: Uncertain significance. Last evaluated: 2022-05-24. Review status: criteria provided, single submitter. Criteria: Invitae Variant Classification Sherloc (09022015). Collection method: clinical testing. Allele origin: germline.
Comment: In summary, the available evidence is currently insufficient to determine the role of this variant in disease. Therefore, it has been classified as a Variant of Uncertain Significance. Algorithms developed to predict the effect of missense changes on protein structure and function (SIFT, PolyPhen-2, Align-GVGD) all suggest that this variant is likely to be disruptive. This variant has not been reported in the literature in individuals affected with MRPS16-related conditions. This variant is present in population databases (rs781692834, gnomAD 0.006%). This sequence change replaces proline, which is neutral and non-polar, with leucine, which is neutral and non-polar, at codon 30 of the MRPS16 protein (p.Pro30Leu).